The following is an entry in ClinVar:

NM_001166108.2(PALLD):c.1965-12735C>T

Gene: PALLD (palladin, cytoskeletal associated protein; plus strand). Cytogenetic location: 4q32.3.
Variant type: single nucleotide variant.
Coding change: c.1965-12735C>T on transcript NM_001166108.2 (MANE Select); 12735 bases into the intron before coding-DNA position 1965, C replaced by T.
Molecular consequence: intron variant. On other transcripts: missense variant (1).
Genome position (GRCh38, 1-based): chr4:168,878,187, C>T. VCF-style: chr4-168878187-C-T. GRCh37 (hg19) VCF-style: chr4-169799338-C-T.
Other names: c.296C>T, p.Thr99Met (NM_001166110.2); c.1965-12735C>T (NM_016081.4); c.819-12735C>T (NM_001166109.2); c.-157-12735C>T (NM_001367570.1, NM_001367568.1, NM_001367567.1 and 1 more transcripts); short protein forms T99M.
Identifiers: ClinVar variation 4564194 (VCV004564194.1).

ClinVar aggregate classification (germline): Uncertain significance (1 of 4 stars; one submission).

gnomAD v4.1: 1 of 1,512,990 alleles (0.000066%); no homozygotes.

Submission:

Ambry Genetics
Classification: Uncertain significance. Last evaluated: 2025-11-26. Review status: criteria provided, single submitter. Criteria: Ambry Variant Classification Scheme 2023. Collection method: clinical testing. Allele origin: germline.
Comment: The p.T99M variant (also known as c.296C>T), located in coding exon 1 of the PALLD gene, results from a C to T substitution at nucleotide position 296. The threonine at codon 99 is replaced by methionine, an amino acid with similar properties. This amino acid position is conserved. In addition, this alteration is predicted to be tolerated by in silico analysis. Based on the available evidence, the clinical significance of this variant remains unclear.